The following is an entry in ClinVar:

NM_001127644.2(GABRA1):c.815_817del (p.Phe272del)

Gene: GABRA1 (gamma-aminobutyric acid type A receptor subunit alpha1; plus strand). Cytogenetic location: 5q34.
Variant type: Deletion.
Coding change: c.815_817del on transcript NM_001127644.2 (MANE Select); coding-DNA positions 815 to 817, 3 bases deleted (TCT; older notation c.815_817delTCT).
Protein change: p.Phe272del; deletes phenylalanine 272.
Molecular consequence: inframe deletion.
Genome position (GRCh38, 1-based): chr5:161,891,009-161,891,011, TCT deleted; deleting any 3 consecutive bases within chr5:161,891,007-161,891,011 gives the same sequence; the c. name uses the placement nearest the transcript's 3' end. VCF-style (leftmost placement, unchanged base first): chr5-161891006-CCTT-C. GRCh37 (hg19) VCF-style: chr5-161318012-CCTT-C.
Other names: c.815_817del, p.Phe272del (NM_000806.5, NM_001127643.2, NM_001127645.2 and 1 more transcripts); short protein forms F272del.
Identifiers: ClinVar variation 3754356 (VCV003754356.2).

ClinVar aggregate classification (germline): Uncertain significance (1 of 4 stars; one submission).

Conditions:
Epilepsy, idiopathic generalized, susceptibility to, 13. Also called: EPILEPSY, JUVENILE MYOCLONIC, SUSCEPTIBILITY TO, 5. Identifiers: Orphanet 307, Orphanet 64280, MedGen C4013473, MONDO:0012627, OMIM 611136.
Epilepsy, childhood absence 4 (ECA4). Also called: EPILEPSY, CHILDHOOD ABSENCE, SUSCEPTIBILITY TO, 4. Identifiers: Orphanet 307, MedGen C1970160.
Idiopathic generalized epilepsy. Also called: EIG; Generalised epilepsy. Identifiers: MedGen C0270850, MONDO:0005579, OMIM 600669.

Submission:

Labcorp Genetics (formerly Invitae), Labcorp
Classification: Uncertain significance for Epilepsy, childhood absence 4; Epilepsy, idiopathic generalized, susceptibility to, 13; Idiopathic generalized epilepsy. Last evaluated: 2024-02-05. Review status: criteria provided, single submitter. Criteria: Invitae Variant Classification Sherloc (09022015). Collection method: clinical testing. Allele origin: germline.
Comment: This variant, c.815_817del, results in the deletion of 1 amino acid(s) of the GABRA1 protein (p.Phe272del), but otherwise preserves the integrity of the reading frame. This variant is not present in population databases (gnomAD no frequency). This variant has been observed in individual(s) with GABRA1-related conditions (Invitae). Experimental studies and prediction algorithms are not available or were not evaluated, and the functional significance of this variant is currently unknown. In summary, the available evidence is currently insufficient to determine the role of this variant in disease. Therefore, it has been classified as a Variant of Uncertain Significance.